The following is an entry in ClinVar:

NM_014915.3(ANKRD26):c.3829C>T (p.His1277Tyr)

Gene: ANKRD26 (ankyrin repeat domain containing 26; minus strand). Cytogenetic location: 10p12.1.
Variant type: single nucleotide variant.
Coding change: c.3829C>T on transcript NM_014915.3 (MANE Select); coding-DNA position 3829, C replaced by T.
Protein change: p.His1277Tyr; replaces histidine 1277 with tyrosine.
Molecular consequence: missense variant.
Genome position (GRCh38, 1-based): chr10:27,029,335, G>A on the plus strand (C>T on the coding strand, the complement: ANKRD26 is on the minus strand). VCF-style: chr10-27029335-G-A. GRCh37 (hg19) VCF-style: chr10-27318264-G-A.
Other names: c.3826C>T, p.His1276Tyr (NM_001256053.2); short protein forms H1276Y, H1277Y.
Identifiers: ClinVar variation 4102572 (VCV004102572.1).
Genomic context (GRCh38, chr10:27,029,335, plus strand): 5'-TTAAATTTTACTTTTGCTTGTGATCTTGCATCTTCTCAGCACATCTGACAGCTTCTGTAT[G>A]TCGATCCTGTGCTTCTTGCAACTAAAACAAAGAATAAAAAAAACCCACTTTACTAATAAT-3'
Protein context (NP_055730.2, residues 1267-1287): RNQLQEAQDR[His1277Tyr]TEAVRCAEKM

ClinVar aggregate classification (germline): Uncertain significance (1 of 4 stars; one submission).

Conditions:
Inborn genetic diseases. Identifiers: MedGen C0950123, MeSH D030342.

gnomAD v4.1: 2 of 1,612,626 alleles (0.00012%); highest among the groups gnomAD compares: Non-Finnish European, 0.00017%; no homozygotes.

Submission:

Ambry Genetics
Classification: Uncertain significance for Inborn genetic diseases. Last evaluated: 2025-07-03. Review status: criteria provided, single submitter. Criteria: Ambry Variant Classification Scheme 2023. Collection method: clinical testing. Allele origin: germline.
Comment: The p.H1277Y variant (also known as c.3829C>T), located in coding exon 26 of the ANKRD26 gene, results from a C to T substitution at nucleotide position 3829. The histidine at codon 1277 is replaced by tyrosine, an amino acid with similar properties. This amino acid position is conserved. In addition, this alteration is predicted to be tolerated by in silico analysis. Based on the available evidence, the clinical significance of this variant remains unclear.